The following is an entry in ClinVar:

ClinVar aggregate classification (germline): Uncertain significance (1 of 4 stars; one submission).

Submissions (2):

GeneDx
Classification: Uncertain significance. Last evaluated: 2026-04-15. Review status: criteria provided, single submitter. Criteria: GeneDx Variant Classification Process June 2021. Collection method: clinical testing. Allele origin: germline.
Comment: Not observed at significant frequency in large population cohorts (gnomAD); In silico analysis supports that this missense variant has a deleterious effect on protein structure/function; Has not been previously published as pathogenic or benign to our knowledge

Dr. Peter K. Rogan Lab, Western University
No classification provided (evidence only). Condition: Thyroid cancer, nonmedullary, 1. Review status: no classification provided. Collection method: in vitro. Allele origin: not applicable. Functional consequence: retained intron. Not counted in ClinVar's aggregate classification.

NM_001379110.1(SLC9A6):c.1459A>G (p.Arg487Gly)

Gene: SLC9A6 (solute carrier family 9 member A6; plus strand). Cytogenetic location: Xq26.3.
Variant type: single nucleotide variant.
Coding change: c.1459A>G on transcript NM_001379110.1 (MANE Select); coding-DNA position 1459, A replaced by G.
Protein change: p.Arg487Gly; replaces arginine 487 with glycine.
Molecular consequence: missense variant.
Genome position (GRCh38, 1-based): chrX:136,024,482, A>G. VCF-style: chrX-136024482-A-G. GRCh37 (hg19) VCF-style: chrX-135106641-A-G.
Other names: NC_000023.10:g.135106641A>G; c.1615A>G, p.Arg539Gly (NM_001042537.2, NM_001438742.1); c.1459A>G, p.Arg487Gly (NM_001177651.2, NM_001400909.1, NM_001400910.1 and 2 more transcripts); c.1363A>G, p.Arg455Gly (NM_001330652.2, NM_001400913.1); c.1519A>G, p.Arg507Gly (NM_006359.3); c.1519A>G (NM_006359.2); short protein forms R487G, R539G, R455G, R507G.
Identifiers: ClinVar variation 4472954 (VCV004472954.2).